The following is an entry in ClinVar:

ClinVar aggregate classification (germline): Uncertain significance. Review status: criteria provided, multiple submitters, no conflicts (2 of 4 stars). 2 submissions from 2 submitters: Uncertain significance (2). Last evaluated 2023-10-16.

Conditions:
Norman-Roberts syndrome (LIS2). Also called: Lissencephaly 2 (Norman-Roberts type). Identifiers: Orphanet 89844, MedGen C0796089, MONDO:0009760, OMIM 257320.
Familial temporal lobe epilepsy 7. Identifiers: Orphanet 101046, MedGen C4225327, MONDO:0014639, OMIM 616436.

Allele frequency attached by ClinVar (database versions not stated): gnomAD exomes 0.00001; TOPMed 0.00002.
gnomAD v4.1: 15 of 1,613,946 alleles (0.00093%); highest among the groups gnomAD compares: African/African-American, 0.015%; no homozygotes.

Submissions (2):

Labcorp Genetics (formerly Invitae), Labcorp
Classification: Uncertain significance for Familial temporal lobe epilepsy 7; Norman-Roberts syndrome. Last evaluated: 2023-10-16. Review status: criteria provided, single submitter. Criteria: Invitae Variant Classification Sherloc (09022015). Collection method: clinical testing. Allele origin: germline.
Comment: This sequence change replaces proline, which is neutral and non-polar, with serine, which is neutral and polar, at codon 149 of the RELN protein (p.Pro149Ser). This variant is not present in population databases (gnomAD no frequency). This variant has not been reported in the literature in individuals affected with RELN-related conditions. ClinVar contains an entry for this variant (Variation ID: 1469035). Advanced modeling of protein sequence and biophysical properties (such as structural, functional, and spatial information, amino acid conservation, physicochemical variation, residue mobility, and thermodynamic stability) performed at Invitae indicates that this missense variant is not expected to disrupt RELN protein function. In summary, the available evidence is currently insufficient to determine the role of this variant in disease. Therefore, it has been classified as a Variant of Uncertain Significance.

Baylor Genetics
Classification: Uncertain significance for Familial temporal lobe epilepsy 7. Last evaluated: 2022-12-12. Review status: criteria provided, single submitter. Criteria: ACMG Guidelines, 2015. Collection method: clinical testing. Allele origin: unknown.

NM_005045.4(RELN):c.445C>T (p.Pro149Ser)

Gene: RELN (reelin; minus strand). Cytogenetic location: 7q22.1.
Variant type: single nucleotide variant.
Coding change: c.445C>T on transcript NM_005045.4 (MANE Select); coding-DNA position 445, C replaced by T.
Protein change: p.Pro149Ser; replaces proline 149 with serine.
Molecular consequence: missense variant.
Genome position (GRCh38, 1-based): chr7:103,833,565, G>A on the plus strand (C>T on the coding strand, the complement: RELN is on the minus strand). VCF-style: chr7-103833565-G-A. GRCh37 (hg19) VCF-style: chr7-103474012-G-A.
Other names: c.445C>T, p.Pro149Ser (NM_173054.3); short protein forms P149S.
Identifiers: ClinVar variation 1469035 (VCV001469035.7), dbSNP rs374263472, ClinGen allele CA163972151.
Genomic context (GRCh38, chr7:103,833,565, plus strand): 5'-CTGTACGTATGGCAGACACTTTGGGTACTTACATGAAATTCACACAGCCTGTGCCCGCAG[G>A]TGGAGCAATCCAGATGAAACTGAGGTTGGTTGTGGGCAGGTGACTCACGTGAGAGGCTAC-3'
Protein context (NP_005036.2, residues 139-159): TNLSFIWIAP[Pro149Ser]AGTGCVNFMA